The following is an entry in ClinVar:

ClinVar aggregate classification (germline): Uncertain significance (1 of 4 stars; one submission).

gnomAD v4.1: 1 of 1,589,524 alleles (0.000063%); highest among the groups gnomAD compares: African/African-American, 0.0013%; no homozygotes.

Submission:

Labcorp Genetics (formerly Invitae), Labcorp
Classification: Uncertain significance. Last evaluated: 2025-12-29. Review status: criteria provided, single submitter. Criteria: Invitae Variant Classification Sherloc (09022015). Collection method: clinical testing. Allele origin: germline.
Comment: This sequence change replaces alanine, which is neutral and non-polar, with threonine, which is neutral and polar, at codon 29 of the WFS1 protein (p.Ala29Thr). This variant is not present in population databases (gnomAD no frequency). This variant has not been reported in the literature in individuals affected with WFS1-related conditions. Invitae Evidence Modeling of protein sequence and biophysical properties (such as structural, functional, and spatial information, amino acid conservation, physicochemical variation, residue mobility, and thermodynamic stability) indicates that this missense variant is not expected to disrupt WFS1 protein function with a negative predictive value of 80%. In summary, the available evidence is currently insufficient to determine the role of this variant in disease. Therefore, it has been classified as a Variant of Uncertain Significance.

NM_006005.3(WFS1):c.85G>A (p.Ala29Thr)

Gene: WFS1 (wolframin ER transmembrane glycoprotein; plus strand). Cytogenetic location: 4p16.1.
Variant type: single nucleotide variant.
Coding change: c.85G>A on transcript NM_006005.3 (MANE Select); coding-DNA position 85, G replaced by A.
Protein change: p.Ala29Thr; replaces alanine 29 with threonine.
Molecular consequence: missense variant.
Genome position (GRCh38, 1-based): chr4:6,277,540, G>A. VCF-style: chr4-6277540-G-A. GRCh37 (hg19) VCF-style: chr4-6279267-G-A.
Other names: c.85G>A, p.Ala29Thr (NM_001145853.1); short protein forms A29T.
Identifiers: ClinVar variation 4808998 (VCV004808998.1).